The following is an entry in ClinVar:

NM_006421.5(ARFGEF1):c.4126_4127del (p.Arg1376fs)

Gene: ARFGEF1 (ARF guanine nucleotide exchange factor 1; minus strand). Cytogenetic location: 8q13.2.
Variant type: Deletion.
Coding change: c.4126_4127del on transcript NM_006421.5 (MANE Select); coding-DNA positions 4126 to 4127, 2 bases deleted (AG; older notation c.4126_4127delAG).
Protein change: p.Arg1376fs; shifts the reading frame from arginine 1376.
Molecular consequence: frameshift variant. On other transcripts: 3 prime UTR variant (1), non-coding transcript variant (1).
Genome position (GRCh38, 1-based): chr8:67,224,984-67,224,985, CT deleted on the plus strand (AG on the coding strand, the reverse complement: ARFGEF1 is on the minus strand). VCF-style (leftmost placement, unchanged base first): chr8-67224983-CCT-C. GRCh37 (hg19) VCF-style: chr8-68137218-CCT-C.
Other names: c.4126_4127del, p.Arg1376fs (NM_001413184.1, NM_001413185.1, NM_001413186.1 and 5 more transcripts); c.3526_3527del, p.Arg1176fs (NM_001413188.1, NM_001413193.1, NM_001413197.1); c.4120_4121del, p.Arg1374fs (NM_001413190.1); c.*23_*24del (NM_001413195.1); c.2701_2702del, p.Arg901fs (NM_001413196.1); short protein forms R1176fs, R1374fs, R1376fs, R901fs.
Identifiers: ClinVar variation 3905847 (VCV003905847.11).

ClinVar aggregate classification (germline): Pathogenic. Review status: criteria provided, single submitter (1 of 4 stars). 2 submissions from 2 submitters: Pathogenic (1). 1 of the submissions does not count toward it. Last evaluated 2026-06-01.

Submissions (2):

CeGaT Center for Human Genetics Tuebingen
Classification: Pathogenic. Last evaluated: 2026-06-01. Review status: criteria provided, single submitter. Criteria: CeGaT Center For Human Genetics Tuebingen Variant Classification Criteria Version 2. Collection method: clinical testing. Allele origin: germline. Affected: yes. Observed: 2 variant alleles.
Comment: ARFGEF1: PVS1, PM2

Diagnostics Centre, Carl Von Ossietzky University Oldenburg
Classification: Likely pathogenic. Last evaluated: 2025-08-20. Review status: no assertion criteria provided. Collection method: clinical testing. Allele origin: germline. Affected: yes. Observed: 1 variant allele. Not counted in ClinVar's aggregate classification.
Comment: The variant ARFGEF1:c.4126_4127del p.(Arg1376Glyfs*12), located in the exon 29 of the ARFGEF1 gene results from a deletion at nucleotide position c.4126_4127. The change results in a frameshift at protein position 1376 and the formation of a premature stop codon after twelve amino acids. The variant affects an exon [29/39] present in a biologically relevant transcript and is predicted to cause protein truncation/absent due to nonsense mediated decay, in a gene where loss-of-function is a known mechanism of disease. The variant has not yet been described in ClinVar or in any publications known to us. The variant is classified as very rare since it is absent in gnomAD v4.1.0. In summary, the variant is classified as Likely pathogenic.